The following is an entry in ClinVar:

NM_000321.3(RB1):c.923C>T (p.Ser308Phe)

Gene: RB1 (RB transcriptional corepressor 1; plus strand). Cytogenetic location: 13q14.2.
Variant type: single nucleotide variant.
Coding change: c.923C>T on transcript NM_000321.3 (MANE Select); coding-DNA position 923, C replaced by T.
Protein change: p.Ser308Phe; replaces serine 308 with phenylalanine.
Molecular consequence: missense variant.
Genome position (GRCh38, 1-based): chr13:48,364,955, C>T. VCF-style: chr13-48364955-C-T. GRCh37 (hg19) VCF-style: chr13-48939091-C-T.
Other names: c.923C>T, p.Ser308Phe (NM_001407165.1, NM_001407166.1); short protein forms S308F.
Identifiers: ClinVar variation 2560795 (VCV002560795.3), dbSNP rs2138116606, ClinGen allele CA388160047.

ClinVar aggregate classification (germline): Uncertain significance (1 of 4 stars; one submission).

Conditions:
Hereditary cancer-predisposing syndrome. Also called: Neoplastic Syndromes, Hereditary; Hereditary Cancer Syndrome; Hereditary neoplastic syndrome; Tumor predisposition. Identifiers: Orphanet 140162, MedGen C0027672, MeSH D009386, MONDO:0015356.

Submission:

Ambry Genetics
Classification: Uncertain significance for Hereditary cancer-predisposing syndrome. Last evaluated: 2025-10-10. Review status: criteria provided, single submitter. Criteria: Ambry Variant Classification Scheme 2023. Collection method: clinical testing. Allele origin: germline.
Comment: The p.S308F variant (also known as c.923C>T), located in coding exon 9 of the RB1 gene, results from a C to T substitution at nucleotide position 923. The serine at codon 308 is replaced by phenylalanine, an amino acid with highly dissimilar properties. This amino acid position is conserved. In addition, the in silico prediction for this alteration is inconclusive. Based on the available evidence, the clinical significance of this variant remains unclear.